The following is an entry in ClinVar:

NM_025137.4(SPG11):c.5199dup (p.Cys1734fs)

Gene: SPG11 (SPG11 vesicle trafficking associated, spatacsin; minus strand). Cytogenetic location: 15q21.1.
Variant type: Duplication.
Coding change: c.5199dup on transcript NM_025137.4 (MANE Select); coding-DNA position 5199, one base duplicated (A; older notation c.5199dupA).
Protein change: p.Cys1734fs; shifts the reading frame from cysteine 1734.
Molecular consequence: frameshift variant. On other transcripts: intron variant (1).
Genome position (GRCh38, 1-based): chr15:44,584,481, T duplicated on the plus strand (A on the coding strand, the reverse complement: SPG11 is on the minus strand); the first of 6 consecutive T bases (chr15:44,584,481-44,584,486); duplicating any one gives the same sequence. VCF-style (leftmost placement, unchanged base first): chr15-44584480-A-AT. GRCh37 (hg19) VCF-style: chr15-44876678-A-AT.
Other names: c.5199dup, p.Cys1734fs (NM_001160227.2); c.5122-67dup (NM_001411132.1); short protein forms C1734fs.
Identifiers: ClinVar variation 2905263 (VCV002905263.3), dbSNP rs779268551, ClinGen allele CA7534455.

ClinVar aggregate classification (germline): Pathogenic (1 of 4 stars; one submission).

Conditions:
Hereditary spastic paraplegia 11. Also called: SPASTIC PARAPLEGIA, AUTOSOMAL RECESSIVE, COMPLICATED, WITH THIN CORPUS CALLOSUM; SPASTIC PARAPLEGIA, AUTOSOMAL RECESSIVE, WITH MENTAL IMPAIRMENT AND THIN CORPUS CALLOSUM; Spastic Paraplegia 11; Spastic paraplegia, mental retardation and thin corpus callosum; Nakamura Osame syndrome; Autosomal recessive hereditary spastic paraplegia, mental impairment, and thin corpus callosum. Identifiers: Orphanet 2822, MedGen C1858479, MONDO:0011445, OMIM 604360.

Submission:

Labcorp Genetics (formerly Invitae), Labcorp
Classification: Pathogenic for Hereditary spastic paraplegia 11. Last evaluated: 2023-07-14. Review status: criteria provided, single submitter. Criteria: Invitae Variant Classification Sherloc (09022015). Collection method: clinical testing. Allele origin: germline.
Comment: For these reasons, this variant has been classified as Pathogenic. This variant has not been reported in the literature in individuals affected with SPG11-related conditions. This variant is present in population databases (rs779268551, gnomAD 0.006%). This sequence change creates a premature translational stop signal (p.Cys1734Metfs*3) in the SPG11 gene. It is expected to result in an absent or disrupted protein product. Loss-of-function variants in SPG11 are known to be pathogenic (PMID: 19105190, 20110243, 22154821, 26556829).

Literature cited by the submitters: PubMed 19105190; PubMed 20110243; PubMed 22154821; PubMed 26556829.